The following is an entry in ClinVar:

ClinVar aggregate classification (germline): Uncertain significance. Review status: criteria provided, multiple submitters, no conflicts (2 of 4 stars). 2 submissions from 2 submitters: Uncertain significance (2). Last evaluated 2025-07-03.

Allele frequency attached by ClinVar (database versions not stated): ExAC 0.00001; gnomAD 0.00001; gnomAD exomes 0.00001; 1000 Genomes Project 30x 0.00016; 1000 Genomes Project 0.00020.
gnomAD v4.1: 8 of 1,613,910 alleles (0.0005%); highest among the groups gnomAD compares: East Asian, 0.018%; no homozygotes.

Submissions (2):

Women's Health and Genetics/Laboratory Corporation of America, LabCorp
Classification: Uncertain significance. Last evaluated: 2025-07-03. Review status: criteria provided, single submitter. Criteria: LabCorp Variant Classification Summary - May 2015. Collection method: clinical testing. Allele origin: germline.

Labcorp Genetics (formerly Invitae), Labcorp
Classification: Uncertain significance. Last evaluated: 2023-05-13. Review status: criteria provided, single submitter. Criteria: Invitae Variant Classification Sherloc (09022015). Collection method: clinical testing. Allele origin: germline.
Comment: In summary, the available evidence is currently insufficient to determine the role of this variant in disease. Therefore, it has been classified as a Variant of Uncertain Significance. Algorithms developed to predict the effect of missense changes on protein structure and function output the following: SIFT: "Not Available"; PolyPhen-2: "Benign"; Align-GVGD: "Not Available". The arginine amino acid residue is found in multiple mammalian species, which suggests that this missense change does not adversely affect protein function. ClinVar contains an entry for this variant (Variation ID: 1508441). This variant has not been reported in the literature in individuals affected with ALPK3-related conditions. This variant is present in population databases (rs576023680, gnomAD 0.01%). This sequence change replaces glutamine, which is neutral and polar, with arginine, which is basic and polar, at codon 1881 of the ALPK3 protein (p.Gln1881Arg).

NM_020778.5(ALPK3):c.5036A>G (p.Gln1679Arg)

Gene: ALPK3 (alpha kinase 3; plus strand). Cytogenetic location: 15q25.3.
Variant type: single nucleotide variant.
Coding change: c.5036A>G on transcript NM_020778.5 (MANE Select); coding-DNA position 5036, A replaced by G.
Protein change: p.Gln1679Arg; replaces glutamine 1679 with arginine.
Molecular consequence: missense variant.
Genome position (GRCh38, 1-based): chr15:84,868,374, A>G. VCF-style: chr15-84868374-A-G. GRCh37 (hg19) VCF-style: chr15-85411605-A-G.
Other names: short protein forms Q1679R.
Identifiers: ClinVar variation 1508441 (VCV001508441.8), dbSNP rs576023680, ClinGen allele CA7710144.
Genomic context (GRCh38, chr15:84,868,374, plus strand): 5'-AAGGCCTCCCTAGTCCTCAGGGCACCCGGAAGAGTGCTCCAAGTTCCAAGGCCACCCCTC[A>G]GGCCTCAGAGCCAGTCACCACTCAGTTGTTGGGACAGCCTCCCACCCAAGAGGAGGGCTC-3'
Protein context (NP_065829.4, residues 1669-1689): KSAPSSKATP[Gln1679Arg]ASEPVTTQLL